The following is an entry in ClinVar:

NM_002354.3(EPCAM):c.605A>G (p.Lys202Arg)

Gene: EPCAM (epithelial cell adhesion molecule; plus strand). Cytogenetic location: 2p21.
Variant type: single nucleotide variant.
Coding change: c.605A>G on transcript NM_002354.3 (MANE Select); coding-DNA position 605, A replaced by G.
Protein change: p.Lys202Arg; replaces lysine 202 with arginine.
Molecular consequence: missense variant.
Genome position (GRCh38, 1-based): chr2:47,379,002, A>G. VCF-style: chr2-47379002-A-G. GRCh37 (hg19) VCF-style: chr2-47606141-A-G.
Other names: short protein forms K202R.
Identifiers: ClinVar variation 1751311 (VCV001751311.2), dbSNP rs1294456118, ClinGen allele CA346724192.

ClinVar aggregate classification (germline): Uncertain significance (1 of 4 stars; one submission).

Conditions:
Hereditary cancer-predisposing syndrome. Also called: Hereditary Cancer Syndrome; Hereditary neoplastic syndrome; Neoplastic Syndromes, Hereditary; Tumor predisposition. Identifiers: Orphanet 140162, MedGen C0027672, MeSH D009386, MONDO:0015356.

Submission:

Ambry Genetics
Classification: Uncertain significance for Hereditary cancer-predisposing syndrome. Last evaluated: 2022-06-07. Review status: criteria provided, single submitter. Criteria: Ambry Variant Classification Scheme 2023. Collection method: clinical testing. Allele origin: germline.
Comment: The p.K202R variant (also known as c.605A>G), located in coding exon 6 of the EPCAM gene, results from an A to G substitution at nucleotide position 605. The lysine at codon 202 is replaced by arginine, an amino acid with highly similar properties. This amino acid position is conserved. In addition, the in silico prediction for this alteration is inconclusive. Since supporting evidence is limited at this time, the clinical significance of this alteration remains unclear.